The following is an entry in ClinVar:

ClinVar aggregate classification (germline): Uncertain significance (1 of 4 stars; one submission).

gnomAD v4.1: 45 of 1,614,116 alleles (0.0028%); highest among the groups gnomAD compares: Middle Eastern, 0.017%; no homozygotes.

Submission:

Labcorp Genetics (formerly Invitae), Labcorp
Classification: Uncertain significance. Last evaluated: 2024-07-23. Review status: criteria provided, single submitter. Criteria: Invitae Variant Classification Sherloc (09022015). Collection method: clinical testing. Allele origin: germline.
Comment: This sequence change replaces arginine, which is basic and polar, with cysteine, which is neutral and slightly polar, at codon 149 of the MMP14 protein (p.Arg149Cys). This variant is present in population databases (rs748601843, gnomAD 0.003%). This variant has not been reported in the literature in individuals affected with MMP14-related conditions. Advanced modeling of protein sequence and biophysical properties (such as structural, functional, and spatial information, amino acid conservation, physicochemical variation, residue mobility, and thermodynamic stability) performed at Invitae indicates that this missense variant is expected to disrupt MMP14 protein function with a positive predictive value of 80%. In summary, the available evidence is currently insufficient to determine the role of this variant in disease. Therefore, it has been classified as a Variant of Uncertain Significance.

NM_004995.4(MMP14):c.445C>T (p.Arg149Cys)

Gene: MMP14 (matrix metallopeptidase 14; plus strand). Cytogenetic location: 14q11.2.
Variant type: single nucleotide variant.
Coding change: c.445C>T on transcript NM_004995.4 (MANE Select); coding-DNA position 445, C replaced by T.
Protein change: p.Arg149Cys; replaces arginine 149 with cysteine.
Molecular consequence: missense variant.
Genome position (GRCh38, 1-based): chr14:22,842,474, C>T. VCF-style: chr14-22842474-C-T. GRCh37 (hg19) VCF-style: chr14-23311683-C-T.
Other names: short protein forms R149C.
Identifiers: ClinVar variation 3610093 (VCV003610093.2).